The following is an entry in ClinVar:

NM_014822.4(SEC24D):c.3002G>A (p.Arg1001Gln)

Gene: SEC24D (SEC24 homolog D, COPII component; minus strand). Cytogenetic location: 4q26.
Variant type: single nucleotide variant.
Coding change: c.3002G>A on transcript NM_014822.4 (MANE Select); coding-DNA position 3002, G replaced by A.
Protein change: p.Arg1001Gln; replaces arginine 1001 with glutamine.
Molecular consequence: missense variant.
Genome position (GRCh38, 1-based): chr4:118,723,612, C>T on the plus strand (G>A on the coding strand, the complement: SEC24D is on the minus strand). VCF-style: chr4-118723612-C-T. GRCh37 (hg19) VCF-style: chr4-119644767-C-T.
Other names: c.3002G>A (NM_014822.3); c.3005G>A, p.Arg1002Gln (NM_001318066.2); short protein forms R1002Q, R1001Q.
Identifiers: ClinVar variation 1521240 (VCV001521240.5), dbSNP rs750677983, ClinGen allele CA3056795.

ClinVar aggregate classification (germline): Uncertain significance. Review status: criteria provided, multiple submitters, no conflicts (2 of 4 stars). 2 submissions from 2 submitters: Uncertain significance (2). Last evaluated 2025-08-04.

Conditions:
SEC24D-related disorder. Also called: SEC24D-related condition.

Allele frequency attached by ClinVar (database versions not stated): TOPMed 0.00003; gnomAD 0.00006 and 0.00009; gnomAD exomes 0.00010 and 0.00016; ExAC 0.00017.
gnomAD v4.1: 153 of 1,613,450 alleles (0.0095%); highest among the groups gnomAD compares: South Asian, 0.1%; no homozygotes.

Submissions (2):

Labcorp Genetics (formerly Invitae), Labcorp
Classification: Uncertain significance. Last evaluated: 2025-08-04. Review status: criteria provided, single submitter. Criteria: Invitae Variant Classification Sherloc (09022015). Collection method: clinical testing. Allele origin: germline.
Comment: This sequence change replaces arginine, which is basic and polar, with glutamine, which is neutral and polar, at codon 1001 of the SEC24D protein (p.Arg1001Gln). This variant is present in population databases (rs750677983, gnomAD 0.1%). This variant has not been reported in the literature in individuals affected with SEC24D-related conditions. ClinVar contains an entry for this variant (Variation ID: 1521240). An algorithm developed to predict the effect of missense changes on protein structure and function (PolyPhen-2) suggests that this variant is likely to be tolerated. In summary, the available evidence is currently insufficient to determine the role of this variant in disease. Therefore, it has been classified as a Variant of Uncertain Significance.

PreventionGenetics, part of Exact Sciences
Classification: Uncertain significance for SEC24D-related condition. Last evaluated: 2025-04-19. Review status: criteria provided, single submitter. Criteria: ACMG Guidelines, 2015. Collection method: clinical testing. Allele origin: germline.
Comment: The SEC24D c.3002G>A variant is predicted to result in the amino acid substitution p.Arg1001Gln. To our knowledge, this variant has not been reported in the literature. This variant is reported in 0.11% of alleles in individuals of South Asian descent in gnomAD. Although we suspect that this variant may be benign, at this time, the clinical significance of this variant is uncertain due to the absence of conclusive functional and genetic evidence.